The following is an entry in ClinVar:

NM_017777.4(MKS1):c.1477C>A (p.Leu493Met)

Gene: MKS1 (MKS transition zone complex subunit 1; minus strand). Cytogenetic location: 17q22.
Variant type: single nucleotide variant.
Coding change: c.1477C>A on transcript NM_017777.4 (MANE Select); coding-DNA position 1477, C replaced by A.
Protein change: p.Leu493Met; replaces leucine 493 with methionine.
Molecular consequence: missense variant. On other transcripts: intron variant (2).
Genome position (GRCh38, 1-based): chr17:58,206,478, G>T on the plus strand (C>A on the coding strand, the complement: MKS1 is on the minus strand). VCF-style: chr17-58206478-G-T. GRCh37 (hg19) VCF-style: chr17-56283839-G-T.
Other names: c.868C>A, p.Leu290Met (NM_001321268.2); c.1274-98C>A (NM_001330397.2); c.1408-98C>A (NM_001321269.2); c.1477C>A (NM_017777.3); short protein forms L290M, L493M.
Identifiers: ClinVar variation 1023406 (VCV001023406.11), dbSNP rs761944624, ClinGen allele CA8669116.

ClinVar aggregate classification (germline): Uncertain significance. Review status: criteria provided, multiple submitters, no conflicts (2 of 4 stars). 4 submissions from 4 submitters: Uncertain significance (2). 2 of the submissions do not count toward it. Last evaluated 2024-06-01.

Conditions:
MKS1-related disorder. Also called: MKS1-related disorders; MKS1-related condition. Identifiers: MedGen CN239382.
Joubert syndrome 28 (JBTS28). Identifiers: MedGen C4310705, MONDO:0014928, OMIM 617121.
Meckel syndrome, type 1 (MKS1). Also called: MECKEL-GRUBER SYNDROME, TYPE 1. Identifiers: Orphanet 564, MedGen C3714506, MONDO:0009571, OMIM 249000.
Bardet-Biedl syndrome 13 (BBS13). Identifiers: Orphanet 110, MedGen C2673873, MONDO:0014441, OMIM 615990.
Joubert syndrome. Also called: JOUBERT-BOLTSHAUSER SYNDROME; Familial aplasia of the vermis. Identifiers: Orphanet 475, MedGen C5979921, MONDO:0018772.
Meckel-Gruber syndrome. Also called: DYSENCEPHALIA SPLANCHNOCYSTICA; GRUBER SYNDROME; Dysencephalia splachnocystica. Identifiers: Orphanet 564, MedGen C0265215, MONDO:0018921.

Allele frequency attached by ClinVar (database versions not stated): ExAC 0.00001; gnomAD exomes 0.00001 and 0.00002.

Submissions (4):

Fulgent Genetics
Classification: Uncertain significance for Meckel syndrome, type 1; Bardet-Biedl syndrome 13; Joubert syndrome 28. Last evaluated: 2024-06-01. Review status: criteria provided, single submitter. Criteria: ACMG Guidelines, 2015. Collection method: clinical testing. Allele origin: germline.

Labcorp Genetics (formerly Invitae), Labcorp
Classification: Uncertain significance for Joubert syndrome; Meckel-Gruber syndrome. Last evaluated: 2022-03-09. Review status: criteria provided, single submitter. Criteria: Invitae Variant Classification Sherloc (09022015). Collection method: clinical testing. Allele origin: germline.
Comment: This sequence change replaces leucine, which is neutral and non-polar, with methionine, which is neutral and non-polar, at codon 493 of the MKS1 protein (p.Leu493Met). This variant is present in population databases (rs761944624, gnomAD 0.01%). This variant has not been reported in the literature in individuals affected with MKS1-related conditions. ClinVar contains an entry for this variant (Variation ID: 1023406). Advanced modeling of protein sequence and biophysical properties (such as structural, functional, and spatial information, amino acid conservation, physicochemical variation, residue mobility, and thermodynamic stability) performed at Invitae indicates that this missense variant is not expected to disrupt MKS1 protein function. In summary, the available evidence is currently insufficient to determine the role of this variant in disease. Therefore, it has been classified as a Variant of Uncertain Significance.

PreventionGenetics, part of Exact Sciences
Classification: Uncertain significance for MKS1-related condition. Last evaluated: 2024-01-15. Review status: no assertion criteria provided. Collection method: clinical testing. Allele origin: germline. Not counted in ClinVar's aggregate classification.
Comment: The MKS1 c.1477C>A variant is predicted to result in the amino acid substitution p.Leu493Met. To our knowledge, this variant has not been reported in the literature. This variant is reported in 0.012% of alleles in individuals of Latino descent in gnomAD. At this time, the clinical significance of this variant is uncertain due to the absence of conclusive functional and genetic evidence.

Natera, Inc.
Classification: Uncertain significance for Meckel syndrome type 1. Last evaluated: 2021-08-18. Review status: no assertion criteria provided. Collection method: clinical testing. Allele origin: germline. Not counted in ClinVar's aggregate classification.